The following is an entry in ClinVar:

NM_001368894.2(PAX6):c.125T>A (p.Ile42Asn)

Gene: PAX6 (paired box 6; minus strand). Cytogenetic location: 11p13.
Variant type: single nucleotide variant.
Coding change: c.125T>A on transcript NM_001368894.2 (MANE Select); coding-DNA position 125, T replaced by A.
Protein change: p.Ile42Asn; replaces isoleucine 42 with asparagine.
Molecular consequence: missense variant. On other transcripts: 5 prime UTR variant (12), non-coding transcript variant (2), intron variant (2).
Genome position (GRCh38, 1-based): chr11:31,802,720, A>T on the plus strand (T>A on the coding strand, the complement: PAX6 is on the minus strand). VCF-style: chr11-31802720-A-T. GRCh37 (hg19) VCF-style: chr11-31824268-A-T.
Other names: c.125T>A, p.Ile42Asn (NM_000280.6, NM_001127612.3, NM_001258462.3 and 30 more transcripts); c.-657T>A (NM_001310160.2, NM_001368905.2); c.-326T>A (NM_001310161.3, NM_001368900.2, NM_001368903.2 and 2 more transcripts); c.-284T>A (NM_001368899.2, NM_001368901.2, NM_001368906.2 and 1 more transcripts); c.-615T>A (NM_001368902.2); c.368T>A, p.Ile123Asn (NM_001368910.2); c.128T>A, p.Ile43Asn (NM_001368911.2); c.-267-944T>A (NM_001368909.2, NM_001368904.2); short protein forms I123N, I43N, I42N.
Identifiers: ClinVar variation 4783142 (VCV004783142.1).

ClinVar aggregate classification (germline): Likely pathogenic (1 of 4 stars; one submission).

Conditions:
Aniridia 1 (AN1). Identifiers: Orphanet 250923, MedGen C0344542, MONDO:0024507, OMIM 106210.
Irido-corneo-trabecular dysgenesis (ASGD5). Also called: ANTERIOR SEGMENT DYSGENESIS 5. Identifiers: Orphanet 708, MedGen C0344559, MONDO:0011414, OMIM 604229, HP:0000659.

Submission:

Labcorp Genetics (formerly Invitae), Labcorp
Classification: Likely pathogenic for Aniridia 1; Irido-corneo-trabecular dysgenesis. Last evaluated: 2025-05-21. Review status: criteria provided, single submitter. Criteria: Invitae Variant Classification Sherloc (09022015). Collection method: clinical testing. Allele origin: germline.
Comment: This sequence change replaces isoleucine, which is neutral and non-polar, with asparagine, which is neutral and polar, at codon 42 of the PAX6 protein (p.Ile42Asn). This variant is not present in population databases (gnomAD no frequency). This missense change has been observed in individual(s) with aniridia (internal data). Invitae Evidence Modeling of protein sequence and biophysical properties (such as structural, functional, and spatial information, amino acid conservation, physicochemical variation, residue mobility, and thermodynamic stability) indicates that this missense variant is expected to disrupt PAX6 protein function with a positive predictive value of 80%. This variant disrupts the p.Ile42 amino acid residue in PAX6. Other variant(s) that disrupt this residue have been observed in individuals with PAX6-related conditions (PMID: 10234503; internal data), which suggests that this may be a clinically significant amino acid residue. In summary, the currently available evidence indicates that the variant is pathogenic, but additional data are needed to prove that conclusively. Therefore, this variant has been classified as Likely Pathogenic.

Literature cited by the submitters: PubMed 10234503.